The following is an entry in ClinVar:

ClinVar aggregate classification (germline): Uncertain significance (1 of 4 stars; one submission).

gnomAD v4.1: 2 of 1,614,216 alleles (0.00012%); highest among the groups gnomAD compares: Non-Finnish European, 0.00017%; no homozygotes.

Submission:

GeneDx
Classification: Uncertain significance. Last evaluated: 2025-07-11. Review status: criteria provided, single submitter. Criteria: GeneDx Variant Classification Process June 2021. Collection method: clinical testing. Allele origin: germline. Affected: yes.
Comment: Not observed at significant frequency in large population cohorts (gnomAD); In silico analysis suggests that this missense variant does not alter protein structure/function; Has not been previously published as pathogenic or benign to our knowledge

NM_006514.4(SCN10A):c.3997A>G (p.Lys1333Glu)

Gene: SCN10A (sodium voltage-gated channel alpha subunit 10; minus strand). Cytogenetic location: 3p22.2.
Variant type: single nucleotide variant.
Coding change: c.3997A>G on transcript NM_006514.4 (MANE Select); coding-DNA position 3997, A replaced by G.
Protein change: p.Lys1333Glu; replaces lysine 1333 with glutamic acid.
Molecular consequence: missense variant.
Genome position (GRCh38, 1-based): chr3:38,712,253, T>C on the plus strand (A>G on the coding strand, the complement: SCN10A is on the minus strand). VCF-style: chr3-38712253-T-C. GRCh37 (hg19) VCF-style: chr3-38753744-T-C.
Other names: c.3994A>G, p.Lys1332Glu (NM_001293306.2); c.3703A>G, p.Lys1235Glu (NM_001293307.2); short protein forms K1235E, K1332E, K1333E.
Identifiers: ClinVar variation 4685296 (VCV004685296.1).
Genomic context (GRCh38, chr3:38,712,253, plus strand): 5'-CATTATCAAAGTTGACTTTCACATTGACCCAGAAGAAGCTGCCAGTGGAGTTTTGAATCT[T>C]GCAGTCAGACTTGTTATTCACAATCGACAAAGGTACAAGGGAAAACTCTCCATCGGTATA-3'
Protein context (NP_006505.4, residues 1323-1343): LSIVNNKSDC[Lys1333Glu]IQNSTGSFFW